The following is an entry in ClinVar:

NM_000421.5(KRT10):c.457C>G (p.Leu153Val)

Genes: KRT10 (keratin 10; minus strand), KRT10-AS1 (KRT10 antisense RNA 1; plus strand). Cytogenetic location: 17q21.2.
Variant type: single nucleotide variant.
Coding change: c.457C>G on transcript NM_000421.5 (MANE Select); coding-DNA position 457, C replaced by G.
Protein change: p.Leu153Val; replaces leucine 153 with valine.
Molecular consequence: missense variant.
Genome position (GRCh38, 1-based): chr17:40,822,129, G>C on the plus strand (C>G on the coding strand, the complement: KRT10 is on the minus strand). VCF-style: chr17-40822129-G-C. GRCh37 (hg19) VCF-style: chr17-38978381-G-C.
Other names: c.457C>G, p.Leu153Val (NM_001379366.1); short protein forms L153V.
Identifiers: ClinVar variation 66172 (VCV000066172.3), dbSNP rs61460100, ClinGen allele CA216586.

ClinVar aggregate classification (germline): Pathogenic. Review status: criteria provided, single submitter (1 of 4 stars). 2 submissions from 2 submitters: Pathogenic (1). 1 of the submissions does not count toward it. Last evaluated 2026-02-07.

Submissions (2):

GeneDx
Classification: Pathogenic. Last evaluated: 2026-02-07. Review status: criteria provided, single submitter. Criteria: GeneDx Variant Classification Process June 2021. Collection method: clinical testing. Allele origin: germline.
Comment: Located in the highly conserved helix initiation motif of the alpha-helical rod domain, which is intolerant to change; variants in this motif interfere with proper keratin intermediate filament assembly and function, resulting in skin fragility and/or hyperkeratosis (PMIDs: 21176769, 21271994, 26176760); In silico analysis supports that this missense variant has a deleterious effect on protein structure/function; Not observed at significant frequency in large population cohorts (gnomAD); This variant is associated with the following publications: (PMID: 11407994, 25128122, 18261139, 38741524, 21176769, 21271994, 26176760)

Epithelial Biology;  Institute of Medical Biology, Singapore
No classification provided. Review status: no classification provided. Collection method: not provided. Allele origin: not provided. Not counted in ClinVar's aggregate classification.